The following is an entry in ClinVar:

ClinVar aggregate classification (germline): Uncertain significance (1 of 4 stars; one submission).

Conditions:
Multiple congenital anomalies-hypotonia-seizures syndrome 1 (MCAHS1). Also called: PIGN-CDG; Congenital disorder of glycosylation due to PIGN deficiency; GLYCOSYLPHOSPHATIDYLINOSITOL BIOSYNTHESIS DEFECT 3. Identifiers: Orphanet 280633, MedGen C3279775, MONDO:0013563, OMIM 614080.

Allele frequency attached by ClinVar (database versions not stated): gnomAD 0.00001; gnomAD exomes 0.00001; TOPMed 0.00002.
gnomAD v4.1: 8 of 1,610,956 alleles (0.0005%); highest among the groups gnomAD compares: Admixed American, 0.013%; no homozygotes.

Submission:

Labcorp Genetics (formerly Invitae), Labcorp
Classification: Uncertain significance for Multiple congenital anomalies-hypotonia-seizures syndrome 1. Last evaluated: 2024-09-09. Review status: criteria provided, single submitter. Criteria: Invitae Variant Classification Sherloc (09022015). Collection method: clinical testing. Allele origin: germline.
Comment: This sequence change replaces histidine, which is basic and polar, with glutamine, which is neutral and polar, at codon 79 of the PIGN protein (p.His79Gln). This variant is present in population databases (no rsID available, gnomAD 0.01%). This variant has not been reported in the literature in individuals affected with PIGN-related conditions. ClinVar contains an entry for this variant (Variation ID: 571502). Invitae Evidence Modeling of protein sequence and biophysical properties (such as structural, functional, and spatial information, amino acid conservation, physicochemical variation, residue mobility, and thermodynamic stability) indicates that this missense variant is not expected to disrupt PIGN protein function with a negative predictive value of 80%. In summary, the available evidence is currently insufficient to determine the role of this variant in disease. Therefore, it has been classified as a Variant of Uncertain Significance.

NM_176787.5(PIGN):c.237T>A (p.His79Gln)

Gene: PIGN (phosphatidylinositol glycan anchor biosynthesis class N; minus strand). Cytogenetic location: 18q21.33.
Variant type: single nucleotide variant.
Coding change: c.237T>A on transcript NM_176787.5 (MANE Select); coding-DNA position 237, T replaced by A.
Protein change: p.His79Gln; replaces histidine 79 with glutamine.
Molecular consequence: missense variant.
Genome position (GRCh38, 1-based): chr18:62,157,793, A>T on the plus strand (T>A on the coding strand, the complement: PIGN is on the minus strand). VCF-style: chr18-62157793-A-T. GRCh37 (hg19) VCF-style: chr18-59825026-A-T.
Other names: c.237T>A, p.His79Gln (NM_012327.6); short protein forms H79Q.
Identifiers: ClinVar variation 571502 (VCV000571502.7), dbSNP rs1396275031, ClinGen allele CA402603889.